The following is an entry in ClinVar:

NM_021116.4(ADCY1):c.984C>T (p.Leu328=)

Gene: ADCY1 (adenylate cyclase 1; plus strand). Cytogenetic location: 7p12.3.
Variant type: single nucleotide variant.
Coding change: c.984C>T on transcript NM_021116.4 (MANE Select); coding-DNA position 984, C replaced by T.
Protein change: p.Leu328=; no amino-acid change (leucine 328 retained).
Molecular consequence: synonymous variant.
Genome position (GRCh38, 1-based): chr7:45,622,707, C>T. VCF-style: chr7-45622707-C-T. GRCh37 (hg19) VCF-style: chr7-45662306-C-T.
Other names: c.309C>T, p.Leu103= (NM_001281768.2).
Identifiers: ClinVar variation 929870 (VCV000929870.8), dbSNP rs148862065, ClinGen allele CA4248814.

ClinVar aggregate classification (germline): Likely benign. Review status: criteria provided, multiple submitters, no conflicts (2 of 4 stars). 2 submissions from 2 submitters: Likely benign (2). Last evaluated 2024-10-16.

Allele frequency attached by ClinVar (database versions not stated): ExAC 0.00013; TOPMed 0.00013; gnomAD 0.00014; gnomAD exomes 0.00014; ESP Exome Variant Server 0.00023.
gnomAD v4.1: 396 of 1,613,958 alleles (0.025%); highest among the groups gnomAD compares: Non-Finnish European, 0.032%; 1 homozygote.

Submissions (2):

Labcorp Genetics (formerly Invitae), Labcorp
Classification: Likely benign. Last evaluated: 2024-10-16. Review status: criteria provided, single submitter. Criteria: Invitae Variant Classification Sherloc (09022015). Collection method: clinical testing. Allele origin: germline.

Laboratory for Molecular Medicine, Mass General Brigham Personalized Medicine
Classification: Likely benign. Last evaluated: 2017-08-23. Review status: criteria provided, single submitter. Criteria: LMM Criteria. Collection method: clinical testing. Allele origin: germline. Observed: 1 variant allele.
Comment: p.Leu328Leu in exon 4 of ADCY1: This variant is not expected to have clinical significance because it does not alter an amino acid residue and is not located within the splice consensus sequence. It has been identified in 0.02% (15/65456) of European chromosomes by the Exome Aggregation Consortium (ExAC; dbSNP rs148862065).